The following is an entry in ClinVar:

ClinVar aggregate classification (germline): Uncertain significance (1 of 4 stars; one submission).

Conditions:
Chédiak-Higashi syndrome (CHS). Also called: Chediak-Higashi Syndrome. Identifiers: Orphanet 167, MedGen C0007965, MONDO:0008963, OMIM 214500.

Submission:

Labcorp Genetics (formerly Invitae), Labcorp
Classification: Uncertain significance for Chédiak-Higashi syndrome. Last evaluated: 2022-04-25. Review status: criteria provided, single submitter. Criteria: Invitae Variant Classification Sherloc (09022015). Collection method: clinical testing. Allele origin: germline.
Comment: In summary, the available evidence is currently insufficient to determine the role of this variant in disease. Therefore, it has been classified as a Variant of Uncertain Significance. Algorithms developed to predict the effect of missense changes on protein structure and function are either unavailable or do not agree on the potential impact of this missense change (SIFT: "Tolerated"; PolyPhen-2: "Probably Damaging"; Align-GVGD: "Class C0"). ClinVar contains an entry for this variant (Variation ID: 863584). This variant has not been reported in the literature in individuals affected with LYST-related conditions. This variant is not present in population databases (gnomAD no frequency). This sequence change replaces serine, which is neutral and polar, with glycine, which is neutral and non-polar, at codon 948 of the LYST protein (p.Ser948Gly).

NM_000081.4(LYST):c.2842A>G (p.Ser948Gly)

Gene: LYST (lysosomal trafficking regulator; minus strand). Cytogenetic location: 1q42.3.
Variant type: single nucleotide variant.
Coding change: c.2842A>G on transcript NM_000081.4 (MANE Select); coding-DNA position 2842, A replaced by G.
Protein change: p.Ser948Gly; replaces serine 948 with glycine.
Molecular consequence: missense variant.
Genome position (GRCh38, 1-based): chr1:235,806,294, T>C on the plus strand (A>G on the coding strand, the complement: LYST is on the minus strand). VCF-style: chr1-235806294-T-C. GRCh37 (hg19) VCF-style: chr1-235969594-T-C.
Other names: c.2842A>G, p.Ser948Gly (NM_001301365.1); short protein forms S948G.
Identifiers: ClinVar variation 863584 (VCV000863584.9), dbSNP rs2527078533, ClinGen allele CA344955022.